The following is an entry in ClinVar:

NM_024649.5(BBS1):c.509A>G (p.Gln170Arg)

Gene: BBS1 (Bardet-Biedl syndrome 1; plus strand). Cytogenetic location: 11q13.2.
Variant type: single nucleotide variant.
Coding change: c.509A>G on transcript NM_024649.5 (MANE Select); coding-DNA position 509, A replaced by G.
Protein change: p.Gln170Arg; replaces glutamine 170 with arginine.
Molecular consequence: missense variant.
Genome position (GRCh38, 1-based): chr11:66,515,722, A>G. VCF-style: chr11-66515722-A-G. GRCh37 (hg19) VCF-style: chr11-66283193-A-G.
Other names: short protein forms Q170R.
Identifiers: ClinVar variation 844498 (VCV000844498.9), dbSNP rs774163850, ClinGen allele CA6123386.

ClinVar aggregate classification (germline): Uncertain significance. Review status: criteria provided, multiple submitters, no conflicts (2 of 4 stars). 5 submissions from 5 submitters: Uncertain significance (4). 1 of the submissions does not count toward it. Last evaluated 2026-08-21.

Conditions:
Inborn genetic diseases. Identifiers: MedGen C0950123, MeSH D030342.
Bardet-Biedl syndrome 1 (BBS1). Identifiers: MedGen C2936862, MONDO:0008854, OMIM 209900. Disease mechanism: loss of function.
BBS1-related disorder. Also called: BBS1-related condition.
Bardet-Biedl syndrome (BBS). Identifiers: Orphanet 110, MedGen C0752166, MONDO:0015229.

Allele frequency attached by ClinVar (database versions not stated): gnomAD 0.00001; gnomAD exomes 0.00003 and 0.00005; TOPMed 0.00003; ExAC 0.00004.
gnomAD v4.1: 73 of 1,614,008 alleles (0.0045%); highest among the groups gnomAD compares: Admixed American, 0.0067%; no homozygotes.

Submissions (5):

PreventionGenetics, part of Exact Sciences
Classification: Uncertain significance for BBS1-related condition. Last evaluated: 2026-08-21. Review status: criteria provided, single submitter. Criteria: ACMG Guidelines, 2015. Collection method: clinical testing. Allele origin: germline.
Comment: The BBS1 c.509A>G variant is predicted to result in the amino acid substitution p.Gln170Arg. To our knowledge, this variant has not been reported in the literature. This variant is reported in 0.014% of alleles in individuals of Latino descent in gnomAD. At this time, the clinical significance of this variant is uncertain due to the absence of conclusive functional and genetic evidence.

Ambry Genetics
Classification: Uncertain significance for Inborn genetic diseases. Last evaluated: 2023-02-15. Review status: criteria provided, single submitter. Criteria: Ambry Variant Classification Scheme 2023. Collection method: clinical testing. Allele origin: germline.

Labcorp Genetics (formerly Invitae), Labcorp
Classification: Uncertain significance for Bardet-Biedl syndrome. Last evaluated: 2022-07-26. Review status: criteria provided, single submitter. Criteria: Invitae Variant Classification Sherloc (09022015). Collection method: clinical testing. Allele origin: germline.
Comment: This sequence change replaces glutamine, which is neutral and polar, with arginine, which is basic and polar, at codon 170 of the BBS1 protein (p.Gln170Arg). This variant is present in population databases (rs774163850, gnomAD 0.01%). This variant has not been reported in the literature in individuals affected with BBS1-related conditions. ClinVar contains an entry for this variant (Variation ID: 844498). Algorithms developed to predict the effect of missense changes on protein structure and function (SIFT, PolyPhen-2, Align-GVGD) all suggest that this variant is likely to be tolerated. In summary, the available evidence is currently insufficient to determine the role of this variant in disease. Therefore, it has been classified as a Variant of Uncertain Significance.

Fulgent Genetics
Classification: Uncertain significance for Bardet-Biedl syndrome 1. Last evaluated: 2022-02-04. Review status: criteria provided, single submitter. Criteria: ACMG Guidelines, 2015. Collection method: clinical testing. Allele origin: unknown.

Natera, Inc.
Classification: Uncertain significance for Bardet-Biedl syndrome type 1. Last evaluated: 2020-09-16. Review status: no assertion criteria provided. Collection method: clinical testing. Allele origin: germline. Not counted in ClinVar's aggregate classification.